The following is an entry in ClinVar:

NM_000488.4(SERPINC1):c.31T>A (p.Ser11Thr)

Gene: SERPINC1 (serpin family C member 1; minus strand). Cytogenetic location: 1q25.1.
Variant type: single nucleotide variant.
Coding change: c.31T>A on transcript NM_000488.4 (MANE Select); coding-DNA position 31, T replaced by A.
Protein change: p.Ser11Thr; replaces serine 11 with threonine.
Molecular consequence: missense variant. On other transcripts: 5 prime UTR variant (1), intron variant (1).
Genome position (GRCh38, 1-based): chr1:173,917,229, A>T on the plus strand (T>A on the coding strand, the complement: SERPINC1 is on the minus strand). VCF-style: chr1-173917229-A-T. GRCh37 (hg19) VCF-style: chr1-173886367-A-T.
Other names: NM_000488.4(SERPINC1):c.31T>A; p.Ser11Thr; c.-283T>A (NM_001365052.2); c.31T>A, p.Ser11Thr (NM_001386302.1, NM_001386304.1, NM_001386305.1 and 1 more transcripts); c.24+7T>A (NM_001386303.1); short protein forms S11T.
Identifiers: ClinVar variation 940768 (VCV000940768.4), dbSNP rs1445653081, ClinGen allele CA343779044.

ClinVar aggregate classification (germline): Uncertain significance. Review status: reviewed by expert panel (3 of 4 stars). 2 submissions from 2 submitters: Uncertain significance (1). 1 of the submissions does not count toward it. Last evaluated 2024-07-03.

Conditions:
Hereditary antithrombin deficiency (AT3D). Also called: Antithrombin III deficiency; Thrombophilia due to antithrombin III deficiency; Reduced antithrombin III activity; Antithrombin deficiency. Identifiers: Orphanet 82, MedGen C0272375, MONDO:0013144, OMIM 613118, HP:0001976.

Allele frequency attached by ClinVar (database versions not stated): gnomAD exomes below 0.00001 and 0.00001; gnomAD 0.00001; TOPMed 0.00001.
gnomAD v4.1: 7 of 1,613,862 alleles (0.00043%); highest among the groups gnomAD compares: Non-Finnish European, 0.00059%; no homozygotes.

Submissions (2):

Clingen Thrombosis Variant Curation Expert Panel, ClinGen
Classification: Uncertain significance for Hereditary antithrombin deficiency. Last evaluated: 2024-07-03. Review status: reviewed by expert panel. Criteria: ClinGen ACMG Specifications SERPINC1 V1.0.0. Collection method: curation. Allele origin: germline. Inheritance: Autosomal dominant inheritance.
Comment: The c.31T>A (NM_000488.3) variant in SERPINC1 is a missense variant predicted to cause substitution of serine by threonine at amino acid 11 (p.Ser11Thr). The computational predictor REVEL gives a score of 0.107, which is below the threshold of 0.3, and the splice site predictor Splice AI indicate that the variant has no impact on splicing, which suggests that the variant does not impact SERPINC1 function (BP4). The highest population minor allele frequency in gnomAD v2.1.1 is 0.000008804 (1/113588 alleles) in the European population, which is lower than the ClinGen SERPINC1 threshold ([<0.00002]) for PM2, and therefore meets this criterion (PM2_supporting). In summary, based on the evidence available at this time, the clinical significance of this variant is uncertain. ACMG/AMP criteria applied, as specified by the Thrombosis Variant Curation Expert Panel for AT Deficiency for SERPINC1: BP4, PM2_supporting.

Labcorp Genetics (formerly Invitae), Labcorp
Classification: Uncertain significance for Hereditary antithrombin deficiency. Last evaluated: 2021-09-01. Review status: criteria provided, single submitter. Criteria: Invitae Variant Classification Sherloc (09022015). Collection method: clinical testing. Allele origin: germline. Not counted in ClinVar's aggregate classification.
Comment: This sequence change replaces serine with threonine at codon 11 of the SERPINC1 protein (p.Ser11Thr). The serine residue is weakly conserved and there is a small physicochemical difference between serine and threonine. This variant is not present in population databases (ExAC no frequency). This variant has not been reported in the literature in individuals affected with SERPINC1-related conditions. Algorithms developed to predict the effect of missense changes on protein structure and function output the following: SIFT: "Tolerated"; PolyPhen-2: "Benign"; Align-GVGD: "Class C0". The threonine amino acid residue is found in multiple mammalian species, which suggests that this missense change does not adversely affect protein function. In summary, the available evidence is currently insufficient to determine the role of this variant in disease. Therefore, it has been classified as a Variant of Uncertain Significance.